The following is an entry in ClinVar:

NM_001130965.3(SUN1):c.1422A>G (p.Thr474=)

Gene: SUN1 (Sad1 and UNC84 domain containing 1; plus strand). Cytogenetic location: 7p22.3.
Variant type: single nucleotide variant.
Coding change: c.1422A>G on transcript NM_001130965.3 (MANE Select); coding-DNA position 1422, A replaced by G.
Protein change: p.Thr474=; no amino-acid change (threonine 474 retained).
Molecular consequence: synonymous variant. On other transcripts: non-coding transcript variant (3).
Genome position (GRCh38, 1-based): chr7:857,855, A>G. VCF-style: chr7-857855-A-G. GRCh37 (hg19) VCF-style: chr7-897492-A-G.
Other names: p.Thr474=; c.1113A>G, p.Thr371= (NM_001171944.2); c.1422A>G, p.Thr474= (NM_001367633.1, NM_001367634.1, NM_001367653.1); c.1071A>G, p.Thr357= (NM_001367635.1); c.1662A>G, p.Thr554= (NM_001367636.1, NM_001367691.1); c.1530A>G, p.Thr510= (NM_001367638.1); c.963A>G, p.Thr321= (NM_001367639.1); c.1602A>G, p.Thr534= (NM_001367640.1); and 44 more.
Identifiers: ClinVar variation 1170262 (VCV001170262.16), dbSNP rs10950789, ClinGen allele CA4112236.

ClinVar aggregate classification (germline): Benign. Review status: criteria provided, multiple submitters, no conflicts (2 of 4 stars). 4 submissions from 4 submitters: Benign (3). 1 of the submissions does not count toward it. Last evaluated 2026-02-03.

Conditions:
SUN1-related disorder. Also called: SUN1-related condition.
Emery-Dreifuss muscular dystrophy (EDMD). Also called: Scapuloperoneal syndrome, X-linked (formerly); Humeroperoneal neuromuscular disease, (formerly). Identifiers: Orphanet 261, MedGen C0410189, MONDO:0016830.

Allele frequency attached by ClinVar (database versions not stated): gnomAD exomes 0.35389 and 0.38506; ESP Exome Variant Server 0.37763; ExAC 0.38804; gnomAD 0.40179; TOPMed 0.40321; 1000 Genomes Project 0.43690; 1000 Genomes Project 30x 0.44160.
gnomAD v4.1: 570,335 of 1,591,402 alleles (36%); highest among the groups gnomAD compares: East Asian, 54%; 105,095 homozygotes.

Submissions (4):

Labcorp Genetics (formerly Invitae), Labcorp
Classification: Benign for Emery-Dreifuss muscular dystrophy. Last evaluated: 2026-02-03. Review status: criteria provided, single submitter. Criteria: Invitae Variant Classification Sherloc (09022015). Collection method: clinical testing. Allele origin: germline.

Mayo Clinic Laboratories, Mayo Clinic
Classification: Benign. Last evaluated: 2022-03-24. Review status: criteria provided, single submitter. Criteria: ACMG Guidelines, 2015. Collection method: clinical testing. Allele origin: germline. Observed: 273 variant alleles.

GeneDx
Classification: Benign. Last evaluated: 2021-05-04. Review status: criteria provided, single submitter. Criteria: GeneDx Variant Classification Process June 2021. Collection method: clinical testing. Allele origin: germline. Affected: yes.

PreventionGenetics, part of Exact Sciences
Classification: Benign for SUN1-related condition. Last evaluated: 2019-05-08. Review status: no assertion criteria provided. Collection method: clinical testing. Allele origin: germline. Not counted in ClinVar's aggregate classification.
Comment: This variant is classified as benign based on ACMG/AMP sequence variant interpretation guidelines (Richards et al. 2015 PMID: 25741868, with internal and published modifications).